The following is an entry in ClinVar:

NM_002890.3(RASA1):c.2410G>A (p.Ala804Thr)

Genes: CCNH (cyclin H; minus strand), RASA1 (RAS p21 protein activator 1; plus strand). Cytogenetic location: 5q14.3.
Variant type: single nucleotide variant.
Coding change: c.2410G>A on transcript NM_002890.3 (MANE Select); coding-DNA position 2410, G replaced by A.
Protein change: p.Ala804Thr; replaces alanine 804 with threonine.
Molecular consequence: missense variant. On other transcripts: intron variant (1).
Genome position (GRCh38, 1-based): chr5:87,378,461, G>A. VCF-style: chr5-87378461-G-A. GRCh37 (hg19) VCF-style: chr5-86674278-G-A.
Other names: c.1879G>A, p.Ala627Thr (NM_022650.3); c.933+16583C>T (NM_001364075.2); short protein forms A627T, A804T.
Identifiers: ClinVar variation 1472028 (VCV001472028.9), dbSNP rs2112495606, ClinGen allele CA360382385.

ClinVar aggregate classification (germline): Uncertain significance. Review status: criteria provided, multiple submitters, no conflicts (2 of 4 stars). 2 submissions from 2 submitters: Uncertain significance (2). Last evaluated 2025-02-04.

Conditions:
Capillary malformation-arteriovenous malformation syndrome. Also called: Capillary malformation-arteriovenous malformation. Identifiers: Orphanet 137667, MedGen C1842180, MONDO:0012016.
Cardiovascular phenotype. Identifiers: MedGen CN230736.

Allele frequency attached by ClinVar (database versions not stated): gnomAD exomes below 0.00001.
gnomAD v4.1: 1 of 1,611,836 alleles (0.000062%); highest among the groups gnomAD compares: Non-Finnish European, 0.000085%; no homozygotes.

Submissions (2):

Labcorp Genetics (formerly Invitae), Labcorp
Classification: Uncertain significance for Capillary malformation-arteriovenous malformation syndrome. Last evaluated: 2025-02-04. Review status: criteria provided, single submitter. Criteria: Invitae Variant Classification Sherloc (09022015). Collection method: clinical testing. Allele origin: germline.
Comment: This sequence change replaces alanine, which is neutral and non-polar, with threonine, which is neutral and polar, at codon 804 of the RASA1 protein (p.Ala804Thr). This variant is not present in population databases (gnomAD no frequency). This variant has not been reported in the literature in individuals affected with RASA1-related conditions. ClinVar contains an entry for this variant (Variation ID: 1472028). An algorithm developed to predict the effect of missense changes on protein structure and function (PolyPhen-2) suggests that this variant is likely to be disruptive. In summary, the available evidence is currently insufficient to determine the role of this variant in disease. Therefore, it has been classified as a Variant of Uncertain Significance.

Ambry Genetics
Classification: Uncertain significance for Cardiovascular phenotype. Last evaluated: 2023-01-12. Review status: criteria provided, single submitter. Criteria: Ambry Variant Classification Scheme 2023. Collection method: clinical testing. Allele origin: germline.
Comment: The p.A804T variant (also known as c.2410G>A), located in coding exon 18 of the RASA1 gene, results from a G to A substitution at nucleotide position 2410. The alanine at codon 804 is replaced by threonine, an amino acid with similar properties. This amino acid position is conserved. In addition, the in silico prediction for this alteration is inconclusive. Since supporting evidence is limited at this time, the clinical significance of this alteration remains unclear.